The following is an entry in ClinVar:

ClinVar aggregate classification (germline): Uncertain significance. Review status: criteria provided, multiple submitters, no conflicts (2 of 4 stars). 9 submissions from 9 submitters: Uncertain significance (9). Last evaluated 2026-08-27.

Conditions:
MYBPC3-related disorder. Also called: MYBPC3-related disorders; MYBPC3-related condition; MYBPC3-related disease.
Hypertrophic cardiomyopathy 4. Also called: Familial hypertrophic cardiomyopathy 4. Identifiers: MedGen C1861862, MONDO:0007268, OMIM 115197.
Left ventricular noncompaction 10 (LVNC10). Identifiers: Orphanet 154, Orphanet 54260, MedGen C3715165, MONDO:0014163, OMIM 615396.
Cardiovascular phenotype. Identifiers: MedGen CN230736.
Cardiomyopathy (CMYO). Also called: Cardiomyopathies. Identifiers: Orphanet 167848, MedGen C0878544, MONDO:0004994, HP:0001638. Inheritance: Various modes of inheritance.
Hypertrophic cardiomyopathy. Also called: HYPERTROPHIC MYOCARDIOPATHY. Identifiers: Orphanet 217569, MedGen C0007194, MeSH D002312, MONDO:0005045, HP:0001639.

Allele frequency attached by ClinVar (database versions not stated): gnomAD exomes 0.00004 and 0.00010; ExAC 0.00005; TOPMed 0.00009; gnomAD 0.00011.
gnomAD v4.1: 152 of 1,602,334 alleles (0.0095%); highest among the groups gnomAD compares: Non-Finnish European, 0.013%; no homozygotes.

Submissions (9):

PreventionGenetics, part of Exact Sciences
Classification: Uncertain significance for MYBPC3-related condition. Last evaluated: 2026-08-27. Review status: criteria provided, single submitter. Criteria: ACMG Guidelines, 2015. Collection method: clinical testing. Allele origin: germline.
Comment: The MYBPC3 c.3323A>C variant is predicted to result in the amino acid substitution p.Lys1108Thr. This variant has been reported in individuals with hypertrophic cardiomyopathy (HCM) (Table S2, Tadros et al. 2021. PubMed ID: 33495596), dilated cardiomyopathy (DCM) (Table S2, Burstein et al. 2021. PubMed ID: 32746448), arrhythmia (Table S2, Adler et al. 2016. PubMed ID: 26743238), and sudden unexplained death (SUD) (Table S3, Lin et al. 2017. PubMed ID: 29247119). This variant is reported in 0.013% of alleles in individuals of European (non-Finnish) descent in gnomAD. At this time, the clinical significance of this variant is uncertain due to the absence of conclusive functional and genetic evidence.

Labcorp Genetics (formerly Invitae), Labcorp
Classification: Uncertain significance for Hypertrophic cardiomyopathy. Last evaluated: 2025-01-19. Review status: criteria provided, single submitter. Criteria: Invitae Variant Classification Sherloc (09022015). Collection method: clinical testing. Allele origin: germline.
Comment: This sequence change replaces lysine, which is basic and polar, with threonine, which is neutral and polar, at codon 1108 of the MYBPC3 protein (p.Lys1108Thr). This variant is present in population databases (rs397516015, gnomAD 0.01%). This missense change has been observed in individual(s) with arrhythmia and dilated cardiomyopathy, hypertrophic cardiomyopathy, as well as in one individual without cardiomyopathy from the Framingham Offspring Study participants (PMID: 22958901, 26743238, 32746448, 37652022). ClinVar contains an entry for this variant (Variation ID: 42704). An algorithm developed to predict the effect of missense changes on protein structure and function (PolyPhen-2) suggests that this variant is likely to be disruptive. In summary, the available evidence is currently insufficient to determine the role of this variant in disease. Therefore, it has been classified as a Variant of Uncertain Significance.

GeneDx
Classification: Uncertain significance. Last evaluated: 2024-12-05. Review status: criteria provided, single submitter. Criteria: GeneDx Variant Classification Process June 2021. Collection method: clinical testing. Allele origin: germline. Affected: yes.
Comment: Reported in individuals with HCM, sudden unexplained death and/or DCM in published literature and in patients referred to GeneDx for genetic testing; however clinical details and segregation studies are not available for the published cases (PMID: 29247119, 26743238, 32746448); In silico analysis supports that this missense variant has a deleterious effect on protein structure/function; This variant is associated with the following publications: (PMID: 26743238, 22958901, 28679633, 32746448, 29247119, 35653365, 37652022)

All of Us Research Program, National Institutes of Health
Classification: Uncertain significance for Hypertrophic cardiomyopathy. Last evaluated: 2024-09-23. Review status: criteria provided, single submitter. Criteria: ACMG Guidelines, 2015. Collection method: clinical testing. Allele origin: germline. Inheritance: Autosomal dominant inheritance. Observed: 25 variant alleles, 25 heterozygotes.
Comment: This missense variant replaces lysine with threonine at codon 1108 of the MYBPC3 protein. Computational prediction tools indicate that this variant has a neutral impact on protein structure and function. To our knowledge, functional studies have not been reported for this variant. This variant has been reported in one individual affected with hypertrophic cardiomyopathy (PMID: 33495597), in one individual affected with arrhythmia (PMID: 26743238), and in one individual affected with dilated cardiomyopathy (PMID: 32746448). This variant has been identified in 16/259538 chromosomes in the general population by the Genome Aggregation Database (gnomAD). The available evidence is insufficient to determine the role of this variant in disease conclusively. Therefore, this variant is classified as a Variant of Uncertain Significance.

This study involves interpretation of variants in research participants for the purpose of population health screening. Participant phenotype was not available at the time of variant classification. Additional details can be found in publication PMID: 35346344, PMCID: PMC8962531

Color Diagnostics, LLC DBA Color Health
Classification: Uncertain significance for Cardiomyopathy. Last evaluated: 2024-03-21. Review status: criteria provided, single submitter. Criteria: ACMG Guidelines, 2015. Collection method: clinical testing. Allele origin: germline.
Comment: This missense variant replaces lysine with threonine at codon 1108 of the MYBPC3 protein. Computational prediction tools indicate that this variant has a neutral impact on protein structure and function. To our knowledge, functional studies have not been reported for this variant. This variant has been reported in one individual affected with hypertrophic cardiomyopathy (PMID: 33495597), in one individual affected with arrhythmia (PMID: 26743238), and in one individual affected with dilated cardiomyopathy (PMID: 32746448). This variant has been identified in 16/259538 chromosomes in the general population by the Genome Aggregation Database (gnomAD). The available evidence is insufficient to determine the role of this variant in disease conclusively. Therefore, this variant is classified as a Variant of Uncertain Significance.

Blueprint Genetics
Classification: Uncertain significance. Last evaluated: 2023-08-17. Review status: criteria provided, single submitter. Criteria: ACMG Guidelines, 2015. Collection method: clinical testing. Allele origin: germline.

Ambry Genetics
Classification: Uncertain significance for Cardiovascular phenotype. Last evaluated: 2023-08-10. Review status: criteria provided, single submitter. Criteria: Ambry General Variant Classification Scheme_2022. Collection method: clinical testing. Allele origin: germline.
Comment: The p.K1108T variant (also known as c.3323A>C), located in coding exon 30 of the MYBPC3 gene, results from an A to C substitution at nucleotide position 3323. The lysine at codon 1108 is replaced by threonine, an amino acid with similar properties. This variant has been reported in an arrhythmia cohort and a sudden unexplained death case; however, clinical details were limited (Adler A et al. Circ Arrhythm Electrophysiol, 2016 Jan;9:e003440; Lin Y et al. Circ Cardiovasc Genet, 2017 Dec;10:). This alteration has also been reported in a population-based longitudinal study in an individual without overt cardiomyopathy (Bick AG et al. Am. J. Hum. Genet., 2012 Sep;91:513-9). This alteration has been reported in association with hypertrophic cardiomyopathy (HCM) and dilated cardiomyopathy (DCM); however, clinical data is limited and it was also reported in a control individual (Helms AS et al. Circ Genom Precis Med, 2020 Oct;13:396-405; Tadros R et al. Nat Genet, 2021 Feb;53:128-134; Burstein DS et al. Pediatr Res, 2021 May;89:1470-1476; Stava TT et al. Eur J Prev Cardiol, 2022 Oct;29:1789-1799). This amino acid position is well conserved in available vertebrate species. In addition, the in silico prediction for this alteration is inconclusive. Since supporting evidence is limited at this time, the clinical significance of this alteration remains unclear.

Fulgent Genetics
Classification: Uncertain significance for Hypertrophic cardiomyopathy 4; Left ventricular noncompaction 10. Last evaluated: 2021-12-17. Review status: criteria provided, single submitter. Criteria: ACMG Guidelines, 2015. Collection method: clinical testing. Allele origin: unknown.

Laboratory for Molecular Medicine, Mass General Brigham Personalized Medicine
Classification: Uncertain significance. Last evaluated: 2012-04-19. Review status: criteria provided, single submitter. Criteria: LMM Criteria. Collection method: clinical testing. Allele origin: germline. Observed: 1 variant allele.
Comment: Variant classified as Uncertain Significance - Favor Pathogenic. The Lys1108Thr variant (MYBPC3) has not been reported in the literature nor previously identifi ed in >2000 Caucasian probands tested by our laboratory. Lysine (Lys) at postion 1108 is highly conserved through distantly related species and computational an alyses (biochemical amino acid properties, AlignGVGD, PolyPhen2, and SIFT) sugge st that the Lys1108Thr variant may impact the protein, though this information i s not predictive enough to determine pathogenicity. Although this data supports that the Lys1108Thr variant may be pathogenic, additional studies are needed to fully assess its clinical significance.

Literature cited by the submitters: PubMed 22958901 (cited by Labcorp Genetics (formerly Invitae), Labcorp and Ambry Genetics); PubMed 26743238 (cited by 4 submitters); PubMed 32746448 (cited by 4 submitters); PubMed 37652022 (cited by Labcorp Genetics (formerly Invitae), Labcorp); PubMed 33495597 (cited by 3 submitters); PubMed 29247119 (cited by Ambry Genetics); PubMed 32841044 (cited by Ambry Genetics); PubMed 33495596 (cited by Ambry Genetics); PubMed 35653365 (cited by Ambry Genetics).

NM_000256.3(MYBPC3):c.3323A>C (p.Lys1108Thr)

Gene: MYBPC3 (myosin binding protein C3; minus strand). Cytogenetic location: 11p11.2.
Variant type: single nucleotide variant.
Coding change: c.3323A>C on transcript NM_000256.3 (MANE Select); coding-DNA position 3323, A replaced by C.
Protein change: p.Lys1108Thr; replaces lysine 1108 with threonine.
Molecular consequence: missense variant.
Genome position (GRCh38, 1-based): chr11:47,333,201, T>G on the plus strand (A>C on the coding strand, the complement: MYBPC3 is on the minus strand). VCF-style: chr11-47333201-T-G. GRCh37 (hg19) VCF-style: chr11-47354752-T-G.
Other names: p.K1108T:AAG>ACG; short protein forms K1108T.
Identifiers: ClinVar variation 42704 (VCV000042704.26), dbSNP rs397516015, ClinGen allele CA013910.